The following is an entry in ClinVar:

NM_006005.3(WFS1):c.1833C>T (p.Arg611=)

Gene: WFS1 (wolframin ER transmembrane glycoprotein; plus strand). Cytogenetic location: 4p16.1.
Variant type: single nucleotide variant.
Coding change: c.1833C>T on transcript NM_006005.3 (MANE Select); coding-DNA position 1833, C replaced by T.
Protein change: p.Arg611=; no amino-acid change (arginine 611 retained).
Molecular consequence: synonymous variant.
Genome position (GRCh38, 1-based): chr4:6,301,628, C>T. VCF-style: chr4-6301628-C-T. GRCh37 (hg19) VCF-style: chr4-6303355-C-T.
Other names: c.1833C>T, p.Arg611= (NM_001145853.1).
Identifiers: ClinVar variation 1650522 (VCV001650522.10), dbSNP rs769265736, ClinGen allele CA2839513.

ClinVar aggregate classification (germline): Likely benign. Review status: criteria provided, single submitter (1 of 4 stars). 2 submissions from 2 submitters: Likely benign (1). 1 of the submissions does not count toward it. Last evaluated 2022-02-05.

Conditions:
WFS1-related disorder. Identifiers: MedGen CN379391, MONDO:0700293.

Allele frequency attached by ClinVar (database versions not stated): gnomAD exomes below 0.00001 and 0.00001; gnomAD 0.00001; ExAC 0.00002.
gnomAD v4.1: 9 of 1,614,008 alleles (0.00056%); highest among the groups gnomAD compares: East Asian, 0.0045%; no homozygotes.

Submissions (2):

Labcorp Genetics (formerly Invitae), Labcorp
Classification: Likely benign. Last evaluated: 2022-02-05. Review status: criteria provided, single submitter. Criteria: Invitae Variant Classification Sherloc (09022015). Collection method: clinical testing. Allele origin: germline.

PreventionGenetics, part of Exact Sciences
Classification: Likely benign for WFS1-related condition. Last evaluated: 2020-09-12. Review status: no assertion criteria provided. Collection method: clinical testing. Allele origin: germline. Not counted in ClinVar's aggregate classification.
Comment: This variant is classified as likely benign based on ACMG/AMP sequence variant interpretation guidelines (Richards et al. 2015 PMID: 25741868, with internal and published modifications).